The following is an entry in ClinVar:

NM_004415.4(DSP):c.5378_5379dup (p.Ala1794fs)

Gene: DSP (desmoplakin; plus strand). Cytogenetic location: 6p24.3.
Variant type: Microsatellite.
Coding change: c.5378_5379dup on transcript NM_004415.4 (MANE Select); coding-DNA positions 5378 to 5379, 2 bases duplicated (AG; older notation c.5378_5379dupAG).
Protein change: p.Ala1794fs; shifts the reading frame from alanine 1794.
Molecular consequence: frameshift variant. On other transcripts: intron variant (2).
Genome position (GRCh38, 1-based): chr6:7,581,568-7,581,569, AG duplicated; duplicating any 2 consecutive bases within chr6:7,581,566-7,581,569 gives the same sequence; the c. name uses the placement nearest the transcript's 3' end. VCF-style (leftmost placement, unchanged base first): chr6-7581565-T-TAG. GRCh37 (hg19) VCF-style: chr6-7581798-T-TAG.
Other names: p.Ala1794GlyfsX25; c.4051-1076AG[3] (NM_001319034.2); c.3583-1076AG[3] (NM_001008844.3); short protein forms A1794fs.
Identifiers: ClinVar variation 163231 (VCV000163231.4), dbSNP rs727502994, ClinGen allele CA004561.

ClinVar aggregate classification (germline): Likely pathogenic (1 of 4 stars; one submission).

Conditions:
Primary dilated cardiomyopathy (DCM). Also called: Dilated Cardiomyopathy. Identifiers: Orphanet 217604, MedGen C0007193, MeSH D002311, MONDO:0005021, HP:0001644. Inheritance: Various modes of inheritance.

Submission:

Laboratory for Molecular Medicine, Mass General Brigham Personalized Medicine
Classification: Likely pathogenic for Primary dilated cardiomyopathy. Last evaluated: 2013-10-15. Review status: criteria provided, single submitter. Criteria: LMM Criteria. Collection method: clinical testing. Allele origin: germline. Inheritance: Autosomal dominant inheritance. Observed: 1 variant allele.
Comment: The Ala1794fs variant in DSP has not been previously reported in individuals wit h cardiomyopathy and data from large population studies is insufficient to asses s its frequency. This frameshift variant is predicted to alter the protein?s ami no acid sequence beginning at position 1794 and lead to a premature termination codon 25 amino acids downstream. This alteration is then predicted to lead to a truncated protein. In summary, this variant is likely pathogenic, though additio nal studies are required to fully establish its clinical significance.